The following is an entry in ClinVar:

NM_003413.4(ZIC3):c.441G>T (p.Leu147=)

Gene: ZIC3 (Zic family zinc finger 3; plus strand). Cytogenetic location: Xq26.3.
Variant type: single nucleotide variant.
Coding change: c.441G>T on transcript NM_003413.4 (MANE Select); coding-DNA position 441, G replaced by T.
Protein change: p.Leu147=; no amino-acid change (leucine 147 retained).
Molecular consequence: synonymous variant.
Genome position (GRCh38, 1-based): chrX:137,567,132, G>T. VCF-style: chrX-137567132-G-T. GRCh37 (hg19) VCF-style: chrX-136649291-G-T.
Other names: c.441G>T, p.Leu147= (NM_001330661.1).
Identifiers: ClinVar variation 4995123 (VCV004995123.1).

ClinVar aggregate classification (germline): Likely benign (1 of 4 stars; one submission).

Conditions:
ZIC3-related disorder. Also called: ZIC3-Related Disorders; ZIC3-related condition.

Submission:

PreventionGenetics, part of Exact Sciences
Classification: Likely benign for ZIC3-related condition. Last evaluated: 2026-04-26. Review status: criteria provided, single submitter. Criteria: ACMG Guidelines, 2015. Collection method: clinical testing. Allele origin: germline.
Comment: This variant is classified as likely benign based on ACMG/AMP sequence variant interpretation guidelines (Richards et al. 2015 PMID: 25741868, with internal and published modifications).